The following is an entry in ClinVar:

NM_001375834.1(WIPF1):c.778T>A (p.Leu260Met)

Gene: WIPF1 (WAS/WASL interacting protein family member 1; minus strand). Cytogenetic location: 2q31.1.
Variant type: single nucleotide variant.
Coding change: c.778T>A on transcript NM_001375834.1 (MANE Select); coding-DNA position 778, T replaced by A.
Protein change: p.Leu260Met; replaces leucine 260 with methionine.
Molecular consequence: missense variant.
Genome position (GRCh38, 1-based): chr2:174,572,027, A>T on the plus strand (T>A on the coding strand, the complement: WIPF1 is on the minus strand). VCF-style: chr2-174572027-A-T. GRCh37 (hg19) VCF-style: chr2-175436755-A-T.
Other names: c.778T>A, p.Leu260Met (NM_001077269.1, NM_001375832.1, NM_001375833.1 and 5 more transcripts); c.400T>A, p.Leu134Met (NM_001375839.1); short protein forms L134M, L260M.
Identifiers: ClinVar variation 1483958 (VCV001483958.6), dbSNP rs1684872337, ClinGen allele CA349341767.

ClinVar aggregate classification (germline): Uncertain significance (1 of 4 stars; one submission).

Conditions:
Wiskott-Aldrich syndrome 2 (WAS2). Also called: WIPF1 DEFICIENCY. Identifiers: Orphanet 906, MedGen C3281001, MONDO:0013779, OMIM 614493.

Allele frequency attached by ClinVar (database versions not stated): gnomAD exomes below 0.00001.
gnomAD v4.1: 2 of 1,547,692 alleles (0.00013%); highest among the groups gnomAD compares: South Asian, 0.0025%; no homozygotes.

Submission:

Labcorp Genetics (formerly Invitae), Labcorp
Classification: Uncertain significance for Wiskott-Aldrich syndrome 2. Last evaluated: 2020-12-30. Review status: criteria provided, single submitter. Criteria: Invitae Variant Classification Sherloc (09022015). Collection method: clinical testing. Allele origin: germline.
Comment: In summary, the available evidence is currently insufficient to determine the role of this variant in disease. Therefore, it has been classified as a Variant of Uncertain Significance. Algorithms developed to predict the effect of missense changes on protein structure and function output the following: SIFT: "Not Available"; PolyPhen-2: "Benign"; Align-GVGD: "Not Available". The methionine amino acid residue is found in multiple mammalian species, suggesting that this missense change does not adversely affect protein function. These predictions have not been confirmed by published functional studies and their clinical significance is uncertain. This variant has not been reported in the literature in individuals with WIPF1-related conditions. This variant is not present in population databases (ExAC no frequency). This sequence change replaces leucine with methionine at codon 260 of the WIPF1 protein (p.Leu260Met). The leucine residue is moderately conserved and there is a small physicochemical difference between leucine and methionine.